The following is an entry in ClinVar:

NM_001329943.3(KIAA0586):c.411-1405T>C

Gene: KIAA0586 (KIAA0586; plus strand). Cytogenetic location: 14q23.1.
Variant type: single nucleotide variant.
Coding change: c.411-1405T>C on transcript NM_001329943.3 (MANE Select); 1405 bases into the intron before coding-DNA position 411, T replaced by C.
Molecular consequence: intron variant. On other transcripts: missense variant (2).
Genome position (GRCh38, 1-based): chr14:58,441,301, T>C. VCF-style: chr14-58441301-T-C. GRCh37 (hg19) VCF-style: chr14-58908019-T-C.
Other names: c.527T>C, p.Met176Thr (NM_001244189.2); c.236T>C, p.Met79Thr (NM_001244192.2); c.366-1405T>C (NM_001244190.2); c.156-1405T>C (NM_001244191.2, NM_001364701.2, NM_001329945.2 and 1 more transcripts); c.411-1405T>C (NM_001329944.2, NM_001329946.2, NM_001329947.2 and 1 more transcripts); c.-10-1405T>C (NM_001244193.2); short protein forms M79T, M176T.
Identifiers: ClinVar variation 1999602 (VCV001999602.4), dbSNP rs2542746246, ClinGen allele CA389860346.

ClinVar aggregate classification (germline): Uncertain significance (1 of 4 stars; one submission).

Conditions:
Joubert syndrome 23 (JBTS23). Identifiers: Orphanet 475, MedGen C4084822, MONDO:0014664, OMIM 616490.
Short-rib thoracic dysplasia 14 with polydactyly (SRTD14). Identifiers: Orphanet 397715, MedGen C4225286, MONDO:0014688, OMIM 616546.

Submission:

Labcorp Genetics (formerly Invitae), Labcorp
Classification: Uncertain significance for Joubert syndrome 23; Short-rib thoracic dysplasia 14 with polydactyly. Last evaluated: 2022-05-27. Review status: criteria provided, single submitter. Criteria: Invitae Variant Classification Sherloc (09022015). Collection method: clinical testing. Allele origin: germline.
Comment: This sequence change replaces methionine, which is neutral and non-polar, with threonine, which is neutral and polar, at codon 176 of the KIAA0586 protein (p.Met176Thr). This variant is not present in population databases (gnomAD no frequency). This variant has not been reported in the literature in individuals affected with KIAA0586-related conditions. Algorithms developed to predict the effect of missense changes on protein structure and function are either unavailable or do not agree on the potential impact of this missense change (SIFT: "Deleterious"; PolyPhen-2: "Benign"; Align-GVGD: "Class C0"). In summary, the available evidence is currently insufficient to determine the role of this variant in disease. Therefore, it has been classified as a Variant of Uncertain Significance.